The following is an entry in ClinVar:

ClinVar aggregate classification (germline): Pathogenic. Review status: criteria provided, single submitter (1 of 4 stars). 2 submissions from 2 submitters: Pathogenic (1). 1 of the submissions does not count toward it. Last evaluated 2023-07-13.

Conditions:
Neuronopathy, distal hereditary motor, autosomal dominant. Also called: Autosomal dominant distal hereditary motor neuropathy. Identifiers: Orphanet 140465, MedGen C5548212, MONDO:0015362.
Charcot-Marie-Tooth disease axonal type 2S. Also called: CHARCOT-MARIE-TOOTH NEUROPATHY, TYPE 2S; CHARCOT-MARIE-TOOTH DISEASE, AXONAL, AUTOSOMAL RECESSIVE, TYPE 2S. Identifiers: Orphanet 443073, MedGen C4015349, MONDO:0014511, OMIM 616155.
Autosomal recessive distal spinal muscular atrophy 1. Also called: NEURONOPATHY, SEVERE INFANTILE AXONAL, WITH RESPIRATORY FAILURE; SEVERE INFANTILE AXONAL NEUROPATHY WITH RESPIRATORY FAILURE; SPINAL MUSCULAR ATROPHY, DIAPHRAGMATIC; Spinal muscular atrophy with respiratory distress 1; HMN VI; NEURONOPATHY, DISTAL HEREDITARY MOTOR, HARDING TYPE VI. Identifiers: Orphanet 98920, MedGen C1858517, MONDO:0011436, OMIM 604320.

Submissions (2):

Labcorp Genetics (formerly Invitae), Labcorp
Classification: Pathogenic for Autosomal recessive distal spinal muscular atrophy 1; Charcot-Marie-Tooth disease axonal type 2S. Last evaluated: 2023-07-13. Review status: criteria provided, single submitter. Criteria: Invitae Variant Classification Sherloc (09022015). Collection method: clinical testing. Allele origin: germline.
Comment: For these reasons, this variant has been classified as Pathogenic. ClinVar contains an entry for this variant (Variation ID: 637264). This premature translational stop signal has been observed in individual(s) with spinal muscular atrophy with respiratory distress (PMID: 17431882). This variant is not present in population databases (gnomAD no frequency). This sequence change creates a premature translational stop signal (p.Thr407Profs*16) in the IGHMBP2 gene. It is expected to result in an absent or disrupted protein product. Loss-of-function variants in IGHMBP2 are known to be pathogenic (PMID: 14681881, 25439726, 25568292).

Inherited Neuropathy Consortium
Classification: Uncertain significance for Autosomal dominant distal hereditary motor neuropathy. Review status: no assertion criteria provided. Collection method: literature only. Allele origin: germline. Affected: yes. Not counted in ClinVar's aggregate classification.

Literature cited by the submitters: PubMed 17431882 (cited by Labcorp Genetics (formerly Invitae), Labcorp and Inherited Neuropathy Consortium); PubMed 14681881 (cited by Labcorp Genetics (formerly Invitae), Labcorp); PubMed 25439726 (cited by Labcorp Genetics (formerly Invitae), Labcorp); PubMed 25568292 (cited by Labcorp Genetics (formerly Invitae), Labcorp).

NM_002180.3(IGHMBP2):c.1218del (p.Thr407fs)

Gene: IGHMBP2 (immunoglobulin mu DNA binding protein 2; plus strand). Cytogenetic location: 11q13.3.
Variant type: Deletion.
Coding change: c.1218del on transcript NM_002180.3 (MANE Select); coding-DNA position 1218, one base deleted (C; older notation c.1218delC).
Protein change: p.Thr407fs; shifts the reading frame from threonine 407.
Molecular consequence: frameshift variant.
Genome position (GRCh38, 1-based): chr11:68,929,340, C deleted; the last of 6 consecutive C bases (chr11:68,929,335-68,929,340); deleting any one gives the same sequence. VCF-style (leftmost placement, unchanged base first): chr11-68929334-GC-G. GRCh37 (hg19) VCF-style: chr11-68696802-GC-G.
Other names: c.1218delC (NM_002180.2); short protein forms T407fs.
Identifiers: ClinVar variation 637264 (VCV000637264.4), dbSNP rs1594445698, ClinGen allele CA915948803.